The following is an entry in ClinVar:

NM_201253.3(CRB1):c.2874C>A (p.Ser958Arg)

Gene: CRB1 (crumbs cell polarity complex component 1; plus strand). Cytogenetic location: 1q31.3.
Variant type: single nucleotide variant.
Coding change: c.2874C>A on transcript NM_201253.3 (MANE Select); coding-DNA position 2874, C replaced by A.
Protein change: p.Ser958Arg; replaces serine 958 with arginine.
Molecular consequence: missense variant. On other transcripts: non-coding transcript variant (2), intron variant (1).
Genome position (GRCh38, 1-based): chr1:197,434,737, C>A. VCF-style: chr1-197434737-C-A. GRCh37 (hg19) VCF-style: chr1-197403867-C-A.
Other names: c.2538C>A, p.Ser846Arg (NM_001193640.2); c.2802C>A, p.Ser934Arg (NM_001257965.2); c.2129-863C>A (NM_001257966.2); short protein forms S934R, S958R, S846R.
Identifiers: ClinVar variation 1363206 (VCV001363206.6), dbSNP rs372778560, ClinGen allele CA344043150.

ClinVar aggregate classification (germline): Uncertain significance (1 of 4 stars; one submission).

Conditions:
Retinitis pigmentosa 12 (RP12). Also called: RP WITH OR WITHOUT PRESERVED PARAARTERIOLE RETINAL PIGMENT EPITHELIUM; RETINITIS PIGMENTOSA WITH OR WITHOUT PARAARTERIOLAR PRESERVATION OF RETINAL PIGMENT EPITHELIUM; RP WITH OR WITHOUT PPRPE. Identifiers: Orphanet 791, MedGen C1838647, MONDO:0010818, OMIM 600105.
Leber congenital amaurosis 8 (LCA8). Identifiers: Orphanet 65, MedGen C3151202, MONDO:0013453, OMIM 613835.

gnomAD v4.1: 1 of 1,613,400 alleles (0.000062%); highest among the groups gnomAD compares: African/African-American, 0.0013%; no homozygotes.

Submission:

Labcorp Genetics (formerly Invitae), Labcorp
Classification: Uncertain significance for Leber congenital amaurosis 8; Retinitis pigmentosa 12. Last evaluated: 2021-11-02. Review status: criteria provided, single submitter. Criteria: Invitae Variant Classification Sherloc (09022015). Collection method: clinical testing. Allele origin: germline.
Comment: In summary, the available evidence is currently insufficient to determine the role of this variant in disease. Therefore, it has been classified as a Variant of Uncertain Significance. Advanced modeling of protein sequence and biophysical properties (such as structural, functional, and spatial information, amino acid conservation, physicochemical variation, residue mobility, and thermodynamic stability) performed at Invitae indicates that this missense variant is not expected to disrupt CRB1 protein function. This variant has not been reported in the literature in individuals affected with CRB1-related conditions. This variant is present in population databases (no rsID available, gnomAD 0.007%). This sequence change replaces serine, which is neutral and polar, with arginine, which is basic and polar, at codon 958 of the CRB1 protein (p.Ser958Arg).